The following is an entry in ClinVar:

ClinVar aggregate classification (germline): Likely benign (1 of 4 stars; one submission).

gnomAD v4.1: 4 of 1,614,116 alleles (0.00025%); highest among the groups gnomAD compares: Non-Finnish European, 0.00034%; no homozygotes.

Submission:

CeGaT Center for Human Genetics Tuebingen
Classification: Likely benign. Last evaluated: 2025-06-01. Review status: criteria provided, single submitter. Criteria: CeGaT Center For Human Genetics Tuebingen Variant Classification Criteria Version 2. Collection method: clinical testing. Allele origin: germline. Affected: yes. Observed: 1 variant allele.
Comment: VPS13D: BP4, BP7

NM_015378.4(VPS13D):c.228C>T (p.Asp76=)

Gene: VPS13D (vacuolar protein sorting 13 homolog D; plus strand). Cytogenetic location: 1p36.22.
Variant type: single nucleotide variant.
Coding change: c.228C>T on transcript NM_015378.4 (MANE Select); coding-DNA position 228, C replaced by T.
Protein change: p.Asp76=; no amino-acid change (aspartic acid 76 retained).
Molecular consequence: synonymous variant.
Genome position (GRCh38, 1-based): chr1:12,244,298, C>T. VCF-style: chr1-12244298-C-T. GRCh37 (hg19) VCF-style: chr1-12304355-C-T.
Other names: c.228C>T, p.Asp76= (NM_018156.4).
Identifiers: ClinVar variation 4084824 (VCV004084824.8).